The following is an entry in ClinVar:

NM_000302.4(PLOD1):c.1906C>G (p.Gln636Glu)

Gene: PLOD1 (procollagen-lysine,2-oxoglutarate 5-dioxygenase 1; plus strand). Cytogenetic location: 1p36.22.
Variant type: single nucleotide variant.
Coding change: c.1906C>G on transcript NM_000302.4 (MANE Select); coding-DNA position 1906, C replaced by G.
Protein change: p.Gln636Glu; replaces glutamine 636 with glutamic acid.
Molecular consequence: missense variant.
Genome position (GRCh38, 1-based): chr1:11,972,875, C>G. VCF-style: chr1-11972875-C-G. GRCh37 (hg19) VCF-style: chr1-12032932-C-G.
Other names: c.2047C>G, p.Gln683Glu (NM_001316320.2); short protein forms Q636E, Q683E.
Identifiers: ClinVar variation 3231128 (VCV003231128.1), dbSNP rs1439043436, ClinGen allele CA338452181.

ClinVar aggregate classification (germline): Uncertain significance (1 of 4 stars; one submission).

Conditions:
Familial thoracic aortic aneurysm and aortic dissection (TAAD). Also called: Thoracic aortic aneurysms and dissections. Identifiers: Orphanet 91387, MedGen C4707243, MONDO:0019625.

gnomAD v4.1: 1 of 1,614,012 alleles (0.000062%); highest among the groups gnomAD compares: African/African-American, 0.0013%; no homozygotes.

Submission:

Ambry Genetics
Classification: Uncertain significance for Familial thoracic aortic aneurysm and aortic dissection. Last evaluated: 2023-09-30. Review status: criteria provided, single submitter. Criteria: Ambry Variant Classification Scheme 2023. Collection method: clinical testing. Allele origin: germline.
Comment: The p.Q636E variant (also known as c.1906C>G), located in coding exon 18 of the PLOD1 gene, results from a C to G substitution at nucleotide position 1906. The glutamine at codon 636 is replaced by glutamic acid, an amino acid with highly similar properties. This amino acid position is conserved. In addition, this alteration is predicted to be tolerated by in silico analysis. Since supporting evidence is limited at this time, the clinical significance of this alteration remains unclear.